The following is an entry in ClinVar:

NM_015202.5(KATNIP):c.3796C>T (p.Arg1266Trp)

Gene: KATNIP (katanin interacting protein; plus strand). Cytogenetic location: 16p12.1.
Variant type: single nucleotide variant.
Coding change: c.3796C>T on transcript NM_015202.5 (MANE Select); coding-DNA position 3796, C replaced by T.
Protein change: p.Arg1266Trp; replaces arginine 1266 with tryptophan.
Molecular consequence: missense variant.
Genome position (GRCh38, 1-based): chr16:27,761,577, C>T. VCF-style: chr16-27761577-C-T. GRCh37 (hg19) VCF-style: chr16-27772898-C-T.
Other names: short protein forms R1266W.
Identifiers: ClinVar variation 1896795 (VCV001896795.3), dbSNP rs1201304221, ClinGen allele CA7978373.
Genomic context (GRCh38, chr16:27,761,577, plus strand): 5'-CACCAGATCTCTGCTTCCCCCAGAGACTTAAATGAGCTCCCCGAGTACTCTGACGACTCC[C>T]GGGCCCTGGACAAGTAAGTGTCTATCAGAAGCTTTACTTTCATGCCCACTGGGTTTTGGG-3'
Protein context (NP_056017.4, residues 1256-1276): NELPEYSDDS[Arg1266Trp]ALDKLIDGTN

ClinVar aggregate classification (germline): Uncertain significance. Review status: criteria provided, multiple submitters, no conflicts (2 of 4 stars). 2 submissions from 2 submitters: Uncertain significance (2). Last evaluated 2022-08-08.

Allele frequency attached by ClinVar (database versions not stated): gnomAD exomes 0.00001; TOPMed 0.00002; ExAC 0.00003.
gnomAD v4.1: 14 of 1,613,762 alleles (0.00087%); highest among the groups gnomAD compares: South Asian, 0.0022%; no homozygotes.

Submissions (2):

Labcorp Genetics (formerly Invitae), Labcorp
Classification: Uncertain significance. Last evaluated: 2022-08-08. Review status: criteria provided, single submitter. Criteria: Invitae Variant Classification Sherloc (09022015). Collection method: clinical testing. Allele origin: germline.
Comment: This sequence change replaces arginine, which is basic and polar, with tryptophan, which is neutral and slightly polar, at codon 1266 of the KIAA0556 protein (p.Arg1266Trp). This variant is present in population databases (no rsID available, gnomAD 0.02%). This variant has not been reported in the literature in individuals affected with KIAA0556-related conditions. Algorithms developed to predict the effect of missense changes on protein structure and function are either unavailable or do not agree on the potential impact of this missense change (SIFT: "Deleterious"; PolyPhen-2: "Probably Damaging"; Align-GVGD: "Class C0"). In summary, the available evidence is currently insufficient to determine the role of this variant in disease. Therefore, it has been classified as a Variant of Uncertain Significance.

Blueprint Genetics
Classification: Uncertain significance. Last evaluated: 2021-06-11. Review status: criteria provided, single submitter. Criteria: ACMG Guidelines, 2015. Collection method: clinical testing. Allele origin: germline.